The following is an entry in ClinVar:

NM_002225.5(IVD):c.286+16_286+17del

Gene: IVD (isovaleryl-CoA dehydrogenase; plus strand). Cytogenetic location: 15q15.1.
Variant type: Deletion.
Coding change: c.286+16_286+17del on transcript NM_002225.5 (MANE Select); bases 16 to 17 of the intron after coding-DNA position 286, 2 bases deleted (TT; older notation c.286+16_286+17delTT).
Molecular consequence: intron variant.
Genome position (GRCh38, 1-based): chr15:40,408,006-40,408,007, TT deleted; deleting any 2 consecutive bases within chr15:40,408,005-40,408,007 gives the same sequence; the c. name uses the placement nearest the transcript's 3' end. VCF-style (leftmost placement, unchanged base first): chr15-40408004-CTT-C. GRCh37 (hg19) VCF-style: chr15-40700203-CTT-C.
Other names: c.373+16_373+17del (NM_001354600.3, NM_001354599.3); c.286+16_286+17del (NM_001354598.3, NM_001354601.3); c.238+16_238+17del (NM_001354597.3); c.196+16_196+17del (NM_001159508.3); c.295+16_295+17delTT (NM_002225.3).
Identifiers: ClinVar variation 508417 (VCV000508417.5), dbSNP rs775497134, ClinGen allele CA7480578.

ClinVar aggregate classification (germline): Likely benign. Review status: criteria provided, multiple submitters, no conflicts (2 of 4 stars). 2 submissions from 2 submitters: Likely benign (2). Last evaluated 2025-11-09.

Conditions:
Isovaleryl-CoA dehydrogenase deficiency (IVA). Also called: Classic Isovaleric Acidemia; IVD DEFICIENCY; Isovaleric acidemia; ISOVALERIC ACID CoA DEHYDROGENASE DEFICIENCY. Identifiers: Orphanet 33, MedGen C0268575, MONDO:0009475, OMIM 243500.

Submissions (2):

Labcorp Genetics (formerly Invitae), Labcorp
Classification: Likely benign for Isovaleryl-CoA dehydrogenase deficiency. Last evaluated: 2025-11-09. Review status: criteria provided, single submitter. Criteria: Invitae Variant Classification Sherloc (09022015). Collection method: clinical testing. Allele origin: germline.

GeneDx
Classification: Likely benign. Last evaluated: 2017-04-07. Review status: criteria provided, single submitter. Criteria: GeneDx Variant Classification (06012015). Collection method: clinical testing. Allele origin: germline. Affected: yes.
Comment: This variant is considered likely benign or benign based on one or more of the following criteria: it is a conservative change, it occurs at a poorly conserved position in the protein, it is predicted to be benign by multiple in silico algorithms, and/or has population frequency not consistent with disease.